The following is an entry in ClinVar:

NM_001286.5(CLCN6):c.2497C>T (p.Arg833Cys)

Genes: CLCN6 (chloride voltage-gated channel 6; plus strand), LOC129929417 (ATAC-STARR-seq lymphoblastoid active region 178; plus strand). Cytogenetic location: 1p36.22.
Variant type: single nucleotide variant.
Coding change: c.2497C>T on transcript NM_001286.5 (MANE Select); coding-DNA position 2497, C replaced by T.
Protein change: p.Arg833Cys; replaces arginine 833 with cysteine.
Molecular consequence: missense variant. On other transcripts: non-coding transcript variant (1).
Genome position (GRCh38, 1-based): chr1:11,838,628, C>T. VCF-style: chr1-11838628-C-T. GRCh37 (hg19) VCF-style: chr1-11898685-C-T.
Other names: c.2431C>T, p.Arg811Cys (NM_001256959.2); short protein forms R811C, R833C.
Identifiers: ClinVar variation 1524978 (VCV001524978.6), dbSNP rs148098036, ClinGen allele CA596870.

ClinVar aggregate classification (germline): Uncertain significance (1 of 4 stars; one submission).

Allele frequency attached by ClinVar (database versions not stated): gnomAD exomes below 0.00001 and 0.00001; ExAC 0.00001; gnomAD 0.00001; TOPMed 0.00002; 1000 Genomes Project 30x 0.00016; 1000 Genomes Project 0.00020.
gnomAD v4.1: 12 of 1,614,240 alleles (0.00074%); highest among the groups gnomAD compares: East Asian, 0.0022%; no homozygotes.

Submission:

Labcorp Genetics (formerly Invitae), Labcorp
Classification: Uncertain significance. Last evaluated: 2025-12-02. Review status: criteria provided, single submitter. Criteria: Invitae Variant Classification Sherloc (09022015). Collection method: clinical testing. Allele origin: germline.
Comment: This sequence change replaces arginine, which is basic and polar, with cysteine, which is neutral and slightly polar, at codon 833 of the CLCN6 protein (p.Arg833Cys). This variant is present in population databases (rs148098036, gnomAD 0.006%). This variant has not been reported in the literature in individuals affected with CLCN6-related conditions. ClinVar contains an entry for this variant (Variation ID: 1524978). An algorithm developed to predict the effect of missense changes on protein structure and function (PolyPhen-2) suggests that this variant is likely to be disruptive. In summary, the available evidence is currently insufficient to determine the role of this variant in disease. Therefore, it has been classified as a Variant of Uncertain Significance.